The following is an entry in ClinVar:

NM_022765.4(MICAL1):c.1844C>T (p.Ala615Val)

Gene: MICAL1 (microtubule associated monooxygenase, calponin and LIM domain containing 1; minus strand). Cytogenetic location: 6q21.
Variant type: single nucleotide variant.
Coding change: c.1844C>T on transcript NM_022765.4 (MANE Select); coding-DNA position 1844, C replaced by T.
Protein change: p.Ala615Val; replaces alanine 615 with valine.
Molecular consequence: missense variant.
Genome position (GRCh38, 1-based): chr6:109,448,214, G>A on the plus strand (C>T on the coding strand, the complement: MICAL1 is on the minus strand). VCF-style: chr6-109448214-G-A. GRCh37 (hg19) VCF-style: chr6-109769417-G-A.
Other names: c.1586C>T, p.Ala529Val (NM_001159291.2); c.1901C>T, p.Ala634Val (NM_001286613.2); short protein forms A615V, A529V, A634V.
Identifiers: ClinVar variation 4107665 (VCV004107665.2).

ClinVar aggregate classification (germline): Uncertain significance. Review status: criteria provided, multiple submitters, no conflicts (2 of 4 stars). 2 submissions from 2 submitters: Uncertain significance (2). Last evaluated 2025-08-12.

gnomAD v4.1: 11 of 1,611,542 alleles (0.00068%); highest among the groups gnomAD compares: African/African-American, 0.0054%; no homozygotes.

Submissions (2):

Ambry Genetics
Classification: Uncertain significance. Last evaluated: 2025-08-12. Review status: criteria provided, single submitter. Criteria: Ambry Variant Classification Scheme 2023. Collection method: clinical testing. Allele origin: germline.

Labcorp Genetics (formerly Invitae), Labcorp
Classification: Uncertain significance. Last evaluated: 2025-04-01. Review status: criteria provided, single submitter. Criteria: Invitae Variant Classification Sherloc (09022015). Collection method: clinical testing. Allele origin: germline.
Comment: This sequence change replaces alanine, which is neutral and non-polar, with valine, which is neutral and non-polar, at codon 634 of the MICAL1 protein (p.Ala634Val). This variant is present in population databases (rs371145060, gnomAD 0.003%). This variant has not been reported in the literature in individuals affected with MICAL1-related conditions. An algorithm developed to predict the effect of missense changes on protein structure and function (PolyPhen-2) suggests that this variant is likely to be tolerated. In summary, the available evidence is currently insufficient to determine the role of this variant in disease. Therefore, it has been classified as a Variant of Uncertain Significance.